The following is an entry in ClinVar:

ClinVar aggregate classification (germline): Uncertain significance. Review status: criteria provided, multiple submitters, no conflicts (2 of 4 stars). 3 submissions from 3 submitters: Uncertain significance (3). Last evaluated 2024-12-08.

Conditions:
Hereditary cancer-predisposing syndrome. Also called: Neoplastic Syndromes, Hereditary; Tumor predisposition; Hereditary Cancer Syndrome; Hereditary neoplastic syndrome. Identifiers: Orphanet 140162, MedGen C0027672, MeSH D009386, MONDO:0015356.
Parathyroid carcinoma (PRTC). Also called: Parathyroid gland carcinoma; CDC73-Related Parathyroid Carcinoma. Identifiers: Orphanet 143, MedGen C0687150, MONDO:0012004, OMIM 608266, HP:0006780.

Allele frequency attached by ClinVar (database versions not stated): gnomAD exomes below 0.00001; ExAC 0.00001; gnomAD 0.00001; 1000 Genomes Project 0.00020; 1000 Genomes Project 30x 0.00031.
gnomAD v4.1: 1 of 1,591,662 alleles (0.000063%); highest among the groups gnomAD compares: Non-Finnish European, 0.000086%; no homozygotes.

Submissions (3):

GeneDx
Classification: Uncertain significance. Last evaluated: 2024-12-08. Review status: criteria provided, single submitter. Criteria: GeneDx Variant Classification Process June 2021. Collection method: clinical testing. Allele origin: germline. Affected: yes.
Comment: Not observed at significant frequency in large population cohorts (gnomAD); In silico analysis supports that this missense variant has a deleterious effect on protein structure/function; Has not been previously published as pathogenic or benign to our knowledge; This variant is associated with the following publications: (PMID: AbdelmoneimA2020[computational])

Labcorp Genetics (formerly Invitae), Labcorp
Classification: Uncertain significance for Parathyroid carcinoma. Last evaluated: 2020-11-07. Review status: criteria provided, single submitter. Criteria: Invitae Variant Classification Sherloc (09022015). Collection method: clinical testing. Allele origin: germline.
Comment: In summary, the available evidence is currently insufficient to determine the role of this variant in disease. Therefore, it has been classified as a Variant of Uncertain Significance. Algorithms developed to predict the effect of missense changes on protein structure and function are either unavailable or do not agree on the potential impact of this missense change (SIFT: "Deleterious"; PolyPhen-2: "Probably Damaging"; Align-GVGD: "Class C0"). This variant has not been reported in the literature in individuals with CDC73-related disease. This variant is present in population databases (rs200806263, ExAC 0.002%). This sequence change replaces glycine with cysteine at codon 49 of the CDC73 protein (p.Gly49Cys). The glycine residue is moderately conserved and there is a large physicochemical difference between glycine and cysteine.

Ambry Genetics
Classification: Uncertain significance for Hereditary cancer-predisposing syndrome. Last evaluated: 2018-11-13. Review status: criteria provided, single submitter. Criteria: Ambry Variant Classification Scheme 2023. Collection method: clinical testing. Allele origin: germline.
Comment: The p.G49C variant (also known as c.145G>T), located in coding exon 2 of the CDC73 gene, results from a G to T substitution at nucleotide position 145. The glycine at codon 49 is replaced by cysteine, an amino acid with highly dissimilar properties. This amino acid position is highly conserved in available vertebrate species. In addition, this alteration is predicted to be deleterious by in silico analysis. Since supporting evidence is limited at this time, the clinical significance of this alteration remains unclear.

NM_024529.5(CDC73):c.145G>T (p.Gly49Cys)

Gene: CDC73 (cell division cycle 73; plus strand). Cytogenetic location: 1q31.2.
Variant type: single nucleotide variant.
Coding change: c.145G>T on transcript NM_024529.5 (MANE Select); coding-DNA position 145, G replaced by T.
Protein change: p.Gly49Cys; replaces glycine 49 with cysteine.
Molecular consequence: missense variant.
Genome position (GRCh38, 1-based): chr1:193,125,125, G>T. VCF-style: chr1-193125125-G-T. GRCh37 (hg19) VCF-style: chr1-193094255-G-T.
Other names: short protein forms G49C.
Identifiers: ClinVar variation 640424 (VCV000640424.14), dbSNP rs200806263, ClinGen allele CA1303277.